The following is an entry in ClinVar:

ClinVar aggregate classification (germline): Uncertain significance (1 of 4 stars; one submission).

Conditions:
Inborn genetic diseases. Identifiers: MedGen C0950123, MeSH D030342.

Submission:

Ambry Genetics
Classification: Uncertain significance for Inborn genetic diseases. Last evaluated: 2023-02-15. Review status: criteria provided, single submitter. Criteria: Ambry Variant Classification Scheme 2023. Collection method: clinical testing. Allele origin: germline.
Comment: The p.A494D variant (also known as c.1481C>A), located in coding exon 6 of the ATR gene, results from a C to A substitution at nucleotide position 1481. The alanine at codon 494 is replaced by aspartic acid, an amino acid with dissimilar properties. This amino acid position is conserved. In addition, this alteration is predicted to be tolerated by in silico analysis. Since supporting evidence is limited at this time, the clinical significance of this alteration remains unclear.

NM_001184.4(ATR):c.1481C>A (p.Ala494Asp)

Gene: ATR (ATR checkpoint kinase; minus strand). Cytogenetic location: 3q23.
Variant type: single nucleotide variant.
Coding change: c.1481C>A on transcript NM_001184.4 (MANE Select); coding-DNA position 1481, C replaced by A.
Protein change: p.Ala494Asp; replaces alanine 494 with aspartic acid.
Molecular consequence: missense variant. On other transcripts: intron variant (1).
Genome position (GRCh38, 1-based): chr3:142,560,323, G>T on the plus strand (C>A on the coding strand, the complement: ATR is on the minus strand). VCF-style: chr3-142560323-G-T. GRCh37 (hg19) VCF-style: chr3-142279165-G-T.
Other names: c.1350-882C>A (NM_001354579.2); short protein forms A494D.
Identifiers: ClinVar variation 2453593 (VCV002453593.2), dbSNP rs759571899, ClinGen allele CA354822720.